The following is an entry in ClinVar:

ClinVar aggregate classification (germline): Uncertain significance (1 of 4 stars; one submission).

Submission:

Ambry Genetics
Classification: Uncertain significance. Last evaluated: 2024-08-22. Review status: criteria provided, single submitter. Criteria: Ambry Variant Classification Scheme 2023. Collection method: clinical testing. Allele origin: germline.
Comment: The p.A622P variant (also known as c.1864G>C), located in coding exon 12 of the RINT1 gene, results from a G to C substitution at nucleotide position 1864. The alanine at codon 622 is replaced by proline, an amino acid with highly similar properties. This amino acid position is conserved. In addition, the in silico prediction for this alteration is inconclusive. Based on the available evidence, the clinical significance of this variant remains unclear.

NM_021930.6(RINT1):c.1864G>C (p.Ala622Pro)

Gene: RINT1 (RAD50 interactor 1; plus strand). Cytogenetic location: 7q22.3.
Variant type: single nucleotide variant.
Coding change: c.1864G>C on transcript NM_021930.6 (MANE Select); coding-DNA position 1864, G replaced by C.
Protein change: p.Ala622Pro; replaces alanine 622 with proline.
Molecular consequence: missense variant. On other transcripts: non-coding transcript variant (1).
Genome position (GRCh38, 1-based): chr7:105,563,925, G>C. VCF-style: chr7-105563925-G-C. GRCh37 (hg19) VCF-style: chr7-105204372-G-C.
Other names: c.1630G>C, p.Ala544Pro (NM_001346599.2); c.841G>C, p.Ala281Pro (NM_001346600.2, NM_001346603.2); c.940G>C, p.Ala314Pro (NM_001346601.2); short protein forms A281P, A544P, A622P, A314P.
Identifiers: ClinVar variation 3433608 (VCV003433608.1).